The following is an entry in ClinVar:

NM_003107.3(SOX4):c.27G>C (p.Glu9Asp)

Gene: SOX4 (SRY-box transcription factor 4; plus strand). Cytogenetic location: 6p22.3.
Variant type: single nucleotide variant.
Coding change: c.27G>C on transcript NM_003107.3 (MANE Select); coding-DNA position 27, G replaced by C.
Protein change: p.Glu9Asp; replaces glutamic acid 9 with aspartic acid.
Molecular consequence: missense variant.
Genome position (GRCh38, 1-based): chr6:21,594,561, G>C. VCF-style: chr6-21594561-G-C. GRCh37 (hg19) VCF-style: chr6-21594792-G-C.
Other names: short protein forms E9D.
Identifiers: ClinVar variation 3252876 (VCV003252876.1), dbSNP rs1763094911.

ClinVar aggregate classification (germline): Uncertain significance (1 of 4 stars; one submission).

Allele frequency attached by ClinVar (database versions not stated): TOPMed below 0.00001.

Submission:

GeneDx
Classification: Uncertain significance. Last evaluated: 2023-12-09. Review status: criteria provided, single submitter. Criteria: GeneDx Variant Classification Process June 2021. Collection method: clinical testing. Allele origin: germline. Affected: yes.
Comment: Not observed at significant frequency in large population cohorts (gnomAD); In silico analysis supports that this missense variant does not alter protein structure/function; Has not been previously published as pathogenic or benign to our knowledge